The following is an entry in ClinVar:

ClinVar aggregate classification (germline): Uncertain significance (1 of 4 stars; one submission).

Conditions:
CLRN1-related disorder. Also called: CLRN1-related condition.

gnomAD v4.1: 53 of 1,613,446 alleles (0.0033%); highest among the groups gnomAD compares: Admixed American, 0.0067%; no homozygotes.

Submission:

PreventionGenetics, part of Exact Sciences
Classification: Uncertain significance for CLRN1-related condition. Last evaluated: 2026-04-23. Review status: criteria provided, single submitter. Criteria: ACMG Guidelines, 2015. Collection method: clinical testing. Allele origin: germline.
Comment: The CLRN1 c.344C>T variant is predicted to result in the amino acid substitution p.Thr115Met. To our knowledge, this variant has not been reported in the literature. This variant is reported in 0.0057% of alleles in individuals of Latino descent in gnomAD. At this time, the clinical significance of this variant is uncertain due to the absence of conclusive functional and genetic evidence.

NM_174878.3(CLRN1):c.254-2140C>T

Gene: CLRN1 (clarin 1; minus strand). Cytogenetic location: 3q25.1.
Variant type: single nucleotide variant.
Coding change: c.254-2140C>T on transcript NM_174878.3 (MANE Select); 2140 bases into the intron before coding-DNA position 254, C replaced by T.
Molecular consequence: intron variant. On other transcripts: missense variant (1), 5 prime UTR variant (1).
Genome position (GRCh38, 1-based): chr3:150,943,901, G>A on the plus strand (C>T on the coding strand, the complement: CLRN1 is on the minus strand). VCF-style: chr3-150943901-G-A. GRCh37 (hg19) VCF-style: chr3-150661688-G-A.
Other names: c.344C>T, p.Thr115Met (NM_001256819.2); c.-57C>T (NM_052995.2); c.254-2140C>T (NM_001195794.1); short protein forms T115M.
Identifiers: ClinVar variation 4977452 (VCV004977452.1).